The following is an entry in ClinVar:

NM_001378969.1(KCND3):c.483C>T (p.Pro161=)

Gene: KCND3 (potassium voltage-gated channel subfamily D member 3; minus strand). Cytogenetic location: 1p13.2.
Variant type: single nucleotide variant.
Coding change: c.483C>T on transcript NM_001378969.1 (MANE Select); coding-DNA position 483, C replaced by T.
Protein change: p.Pro161=; no amino-acid change (proline 161 retained).
Molecular consequence: synonymous variant.
Genome position (GRCh38, 1-based): chr1:111,982,244, G>A on the plus strand (C>T on the coding strand, the complement: KCND3 is on the minus strand). VCF-style: chr1-111982244-G-A. GRCh37 (hg19) VCF-style: chr1-112524866-G-A.
Other names: p.Pro161=; c.483C>T, p.Pro161= (NM_001378970.1, NM_004980.5, NM_172198.3).
Identifiers: ClinVar variation 4683365 (VCV004683365.3).

ClinVar aggregate classification (germline): Likely benign. Review status: criteria provided, multiple submitters, no conflicts (2 of 4 stars). 3 submissions from 3 submitters: Likely benign (3). Last evaluated 2026-05-08.

Conditions:
Spinocerebellar ataxia type 19/22 (SCA19). Also called: SPINOCEREBELLAR ATAXIA 19; SPINOCEREBELLAR ATAXIA 22. Identifiers: Orphanet 98772, MedGen C1846367, MONDO:0011819, OMIM 607346.
Cardiovascular phenotype. Identifiers: MedGen CN230736.

gnomAD v4.1: 12 of 1,614,014 alleles (0.00074%); highest among the groups gnomAD compares: Non-Finnish European, 0.001%; no homozygotes.

Submissions (3):

Ambry Genetics
Classification: Likely benign for Cardiovascular phenotype. Last evaluated: 2026-05-08. Review status: criteria provided, single submitter. Criteria: Ambry Variant Classification Scheme 2023. Collection method: clinical testing. Allele origin: germline.

Labcorp Genetics (formerly Invitae), Labcorp
Classification: Likely benign for Spinocerebellar ataxia type 19/22. Last evaluated: 2025-08-20. Review status: criteria provided, single submitter. Criteria: Invitae Variant Classification Sherloc (09022015). Collection method: clinical testing. Allele origin: germline.

Mayo Clinic Laboratories, Mayo Clinic
Classification: Likely benign. Last evaluated: 2025-05-06. Review status: criteria provided, single submitter. Criteria: ACMG Guidelines, 2015. Collection method: clinical testing. Allele origin: germline. Observed: 1 variant allele.
Comment: BS2, BP4, BP7